The following is an entry in ClinVar:

NM_018245.3(OGDHL):c.454T>A (p.Leu152Met)

Gene: OGDHL (oxoglutarate dehydrogenase L; minus strand). Cytogenetic location: 10q11.23.
Variant type: single nucleotide variant.
Coding change: c.454T>A on transcript NM_018245.3 (MANE Select); coding-DNA position 454, T replaced by A.
Protein change: p.Leu152Met; replaces leucine 152 with methionine.
Molecular consequence: missense variant. On other transcripts: 5 prime UTR variant (5), non-coding transcript variant (5).
Genome position (GRCh38, 1-based): chr10:49,752,662, A>T on the plus strand (T>A on the coding strand, the complement: OGDHL is on the minus strand). VCF-style: chr10-49752662-A-T. GRCh37 (hg19) VCF-style: chr10-50960708-A-T.
Other names: c.283T>A, p.Leu95Met (NM_001143996.2, NM_001347820.1); c.-174T>A (NM_001143997.2, NM_001347821.2, NM_001347822.1 and 1 more transcripts); c.454T>A, p.Leu152Met (NM_001347819.1, NM_001347823.1, NM_001347824.2); c.-473T>A (NM_001347826.1); short protein forms L152M, L95M.
Identifiers: ClinVar variation 3370900 (VCV003370900.1).

ClinVar aggregate classification (germline): Uncertain significance (1 of 4 stars; one submission).

Submission:

GeneDx
Classification: Uncertain significance. Last evaluated: 2024-03-15. Review status: criteria provided, single submitter. Criteria: GeneDx Variant Classification Process June 2021. Collection method: clinical testing. Allele origin: germline. Affected: yes.
Comment: Not observed at significant frequency in large population cohorts (gnomAD); In silico analysis supports that this missense variant does not alter protein structure/function; Has not been previously published as pathogenic or benign to our knowledge